The following is an entry in ClinVar:

ClinVar aggregate classification (germline): Likely benign (0 of 4 stars; one submission).

Conditions:
CREBBP-related disorder. Also called: CREBBP-related condition; CREBBP-related disorders.

gnomAD v4.1: 5 of 1,614,226 alleles (0.00031%); highest among the groups gnomAD compares: Non-Finnish European, 0.00042%; no homozygotes.

Submission:

PreventionGenetics, part of Exact Sciences
Classification: Likely benign for CREBBP-related condition. Last evaluated: 2021-11-17. Review status: no assertion criteria provided. Collection method: clinical testing. Allele origin: germline.
Comment: This variant is classified as likely benign based on ACMG/AMP sequence variant interpretation guidelines (Richards et al. 2015 PMID: 25741868, with internal and published modifications).

NM_004380.3(CREBBP):c.441C>G (p.Ala147=)

Gene: CREBBP (CREB binding lysine acetyltransferase; minus strand). Cytogenetic location: 16p13.3.
Variant type: single nucleotide variant.
Coding change: c.441C>G on transcript NM_004380.3 (MANE Select); coding-DNA position 441, C replaced by G.
Protein change: p.Ala147=; no amino-acid change (alanine 147 retained).
Molecular consequence: synonymous variant.
Genome position (GRCh38, 1-based): chr16:3,850,654, G>C on the plus strand (C>G on the coding strand, the complement: CREBBP is on the minus strand). VCF-style: chr16-3850654-G-C. GRCh37 (hg19) VCF-style: chr16-3900655-G-C.
Other names: c.441C>G, p.Ala147= (NM_001079846.1).
Identifiers: ClinVar variation 3355690 (VCV003355690.1).